The following is an entry in ClinVar:

ClinVar aggregate classification (germline): Uncertain significance (1 of 4 stars; one submission).

Conditions:
Hereditary cancer-predisposing syndrome. Also called: Hereditary neoplastic syndrome; Neoplastic Syndromes, Hereditary; Tumor predisposition; Hereditary Cancer Syndrome. Identifiers: Orphanet 140162, MedGen C0027672, MeSH D009386, MONDO:0015356.

Submission:

Ambry Genetics
Classification: Uncertain significance for Hereditary cancer-predisposing syndrome. Last evaluated: 2025-07-18. Review status: criteria provided, single submitter. Criteria: Ambry Variant Classification Scheme 2023. Collection method: clinical testing. Allele origin: germline.
Comment: The p.A935T variant (also known as c.2803G>A), located in coding exon 17 of the PTCH1 gene, results from a G to A substitution at nucleotide position 2803. The alanine at codon 935 is replaced by threonine, an amino acid with similar properties. This amino acid position is conserved. In addition, the in silico prediction for this alteration is inconclusive. Based on the available evidence, the clinical significance of this variant remains unclear.

NM_000264.5(PTCH1):c.2803G>A (p.Ala935Thr)

Gene: PTCH1 (patched 1; minus strand). Cytogenetic location: 9q22.32.
Variant type: single nucleotide variant.
Coding change: c.2803G>A on transcript NM_000264.5 (MANE Select); coding-DNA position 2803, G replaced by A.
Protein change: p.Ala935Thr; replaces alanine 935 with threonine.
Molecular consequence: missense variant. On other transcripts: non-coding transcript variant (1).
Genome position (GRCh38, 1-based): chr9:95,459,684, C>T on the plus strand (G>A on the coding strand, the complement: PTCH1 is on the minus strand). VCF-style: chr9-95459684-C-T. GRCh37 (hg19) VCF-style: chr9-98221966-C-T.
Other names: c.2605G>A, p.Ala869Thr (NM_001083602.3); c.2800G>A, p.Ala934Thr (NM_001083603.3); c.2350G>A, p.Ala784Thr (NM_001083604.3, NM_001083605.3, NM_001083606.3 and 1 more transcripts); c.2647G>A, p.Ala883Thr (NM_001354918.2); short protein forms A869T, A935T, A784T, A934T, A883T.
Identifiers: ClinVar variation 4146870 (VCV004146870.1).